The following is an entry in ClinVar:

ClinVar aggregate classification (germline): Likely benign (1 of 4 stars; one submission).

Allele frequency attached by ClinVar (database versions not stated): gnomAD 0.00001; gnomAD exomes 0.00001.
gnomAD v4.1: 11 of 1,613,718 alleles (0.00068%); highest among the groups gnomAD compares: East Asian, 0.0022%; no homozygotes.

Submission:

CeGaT Center for Human Genetics Tuebingen
Classification: Likely benign. Last evaluated: 2026-06-01. Review status: criteria provided, single submitter. Criteria: CeGaT Center For Human Genetics Tuebingen Variant Classification Criteria Version 2. Collection method: clinical testing. Allele origin: germline. Affected: yes. Observed: 1 variant allele.
Comment: ARHGAP24: BP4, BP7

NM_001025616.3(ARHGAP24):c.889C>T (p.Leu297=)

Gene: ARHGAP24 (Rho GTPase activating protein 24; plus strand). Cytogenetic location: 4q21.23.
Variant type: single nucleotide variant.
Coding change: c.889C>T on transcript NM_001025616.3 (MANE Select); coding-DNA position 889, C replaced by T.
Protein change: p.Leu297=; no amino-acid change (leucine 297 retained).
Molecular consequence: synonymous variant.
Genome position (GRCh38, 1-based): chr4:85,977,652, C>T. VCF-style: chr4-85977652-C-T. GRCh37 (hg19) VCF-style: chr4-86898805-C-T.
Other names: c.604C>T, p.Leu202= (NM_001042669.2); c.634C>T, p.Leu212= (NM_001287805.2); c.310C>T, p.Leu104= (NM_001346093.2); c.610C>T, p.Leu204= (NM_031305.3).
Identifiers: ClinVar variation 2583022 (VCV002583022.25), dbSNP rs1324863593, ClinGen allele CA440129696.